The following is an entry in ClinVar:

NM_003070.5(SMARCA2):c.4393G>T (p.Gly1465Cys)

Gene: SMARCA2 (SWI/SNF related BAF chromatin remodeling complex subunit ATPase 2; plus strand). Cytogenetic location: 9p24.3.
Variant type: single nucleotide variant.
Coding change: c.4393G>T on transcript NM_003070.5 (MANE Select); coding-DNA position 4393, G replaced by T.
Protein change: p.Gly1465Cys; replaces glycine 1465 with cysteine.
Molecular consequence: missense variant.
Genome position (GRCh38, 1-based): chr9:2,182,174, G>T. VCF-style: chr9-2182174-G-T. GRCh37 (hg19) VCF-style: chr9-2182174-G-T.
Other names: c.4393G>T, p.Gly1465Cys (NM_001289396.2); c.4165G>T, p.Gly1389Cys (NM_001289397.2); c.367G>T, p.Gly123Cys (NM_001289398.2); c.451G>T, p.Gly151Cys (NM_001289399.2); c.457G>T, p.Gly153Cys (NM_001289400.2); c.4339G>T, p.Gly1447Cys (NM_139045.4); short protein forms G123C, G1389C, G1447C, G1465C, G151C, G153C.
Identifiers: ClinVar variation 4885093 (VCV004885093.2).

ClinVar aggregate classification (germline): Uncertain significance (1 of 4 stars; one submission).

Submission:

Dasa
Classification: Uncertain significance. Last evaluated: 2025-10-30. Review status: criteria provided, single submitter. Criteria: DASA Assertion Criteria. Collection method: clinical testing. Allele origin: germline.
Comment: NM_003070.5(SMARCA2):c.4393G>T (p.Gly1465Cys) is a missense variant that results in the substitution of glycine with cysteine. This variant is absent from population databases. The currently available literature and clinical evidence are not sufficient to establish a definitive association between this variant and the reported condition. Therefore, this variant is classified as a variant of uncertain significance.